The following is an entry in ClinVar:

ClinVar aggregate classification (germline): Uncertain significance. Review status: criteria provided, multiple submitters, no conflicts (2 of 4 stars). 2 submissions from 2 submitters: Uncertain significance (2). Last evaluated 2021-09-01.

Conditions:
Benign neonatal seizures. Also called: Convulsions benign familial neonatal dominant form; Autosomal dominant form of benign neonatal seizures; Benign neonatal familial convulsions; Benign familial neonatal epilepsy; Benign familial neonatal seizures. Identifiers: Orphanet 1949, MedGen C0220669, MONDO:0016027.

Submissions (2):

Labcorp Genetics (formerly Invitae), Labcorp
Classification: Uncertain significance for Benign neonatal seizures. Last evaluated: 2021-09-01. Review status: criteria provided, single submitter. Criteria: Invitae Variant Classification Sherloc (09022015). Collection method: clinical testing. Allele origin: germline.

GeneDx
Classification: Uncertain significance. Last evaluated: 2019-07-29. Review status: criteria provided, single submitter. Criteria: GeneDx Variant Classification Process June 2021. Collection method: clinical testing. Allele origin: germline. Affected: yes.
Comment: Not observed in large population cohorts (Lek et al., 2016); In silico analysis, which includes protein predictors and evolutionary conservation, supports that this variant does not alter protein structure/function; Has not been previously published as pathogenic or benign to our knowledge

NM_004519.4(KCNQ3):c.1280T>C (p.Leu427Ser)

Gene: KCNQ3 (potassium voltage-gated channel subfamily Q member 3; minus strand). Cytogenetic location: 8q24.22.
Variant type: single nucleotide variant.
Coding change: c.1280T>C on transcript NM_004519.4 (MANE Select); coding-DNA position 1280, T replaced by C.
Protein change: p.Leu427Ser; replaces leucine 427 with serine.
Molecular consequence: missense variant.
Genome position (GRCh38, 1-based): chr8:132,141,314, A>G on the plus strand (T>C on the coding strand, the complement: KCNQ3 is on the minus strand). VCF-style: chr8-132141314-A-G. GRCh37 (hg19) VCF-style: chr8-133153561-A-G.
Other names: c.920T>C, p.Leu307Ser (NM_001204824.2); short protein forms L307S, L427S.
Identifiers: ClinVar variation 1015608 (VCV001015608.6), dbSNP rs1825289329, ClinGen allele CA372220450.
Genomic context (GRCh38, chr8:132,141,314, plus strand): 5'-GGGGTAAATAGCTTTCCTTTAGTATTGCTACCACGAGGATTAGAAAGGCGAACCCGATCC[A>G]AGAGACCCAGCTTTTGGCTACAAAATAAGCAAAAGTGAACAATTTTCCTCCTTCAGTGCA-3'
Protein context (NP_004510.1, residues 417-437): EAASSQKLGL[Leu427Ser]DRVRLSNPRG